The following is an entry in ClinVar:

ClinVar aggregate classification (germline): Uncertain significance (1 of 4 stars; one submission).

Allele frequency attached by ClinVar (database versions not stated): gnomAD exomes below 0.00001.
gnomAD v4.1: 5 of 1,614,036 alleles (0.00031%); highest among the groups gnomAD compares: Non-Finnish European, 0.00042%; no homozygotes.

Submission:

GeneDx
Classification: Uncertain significance. Last evaluated: 2014-07-30. Review status: criteria provided, single submitter. Criteria: GeneDx Variant Classification (06012015). Collection method: clinical testing. Allele origin: germline. Affected: yes.
Comment: p.Glu391Gly (GAA>GGA): c.1172 A>G in exon 7 of the EFHC1 gene (NM_018100.3). The E391G variant has not been published as a mutation, nor has it been reported as a benign polymorphism to our knowledge. It was not observed in approximately 6,500 individuals of European and African American ancestry in the NHLBI Exome Sequencing Project, indicating it is not a common benign variant in these populations. The E391G variant is a non-conservative amino acid substitution, which is likely to impact secondary protein structure as these residues differ in polarity, charge, size and/or other properties. This substitution occurs at a position that is conserved across species. However, in silico analysis is inconsistent in its predictions as to whether or not the variant is damaging to the protein structure/function. Therefore, based on the currently available information, it is unclear whether this variant is a pathogenic mutation or a rare benign variant. The variant is found in CHILD-EPI panel(s).

NM_018100.4(EFHC1):c.1172A>G (p.Glu391Gly)

Gene: EFHC1 (EF-hand domain containing 1; plus strand). Cytogenetic location: 6p12.2.
Variant type: single nucleotide variant.
Coding change: c.1172A>G on transcript NM_018100.4 (MANE Select); coding-DNA position 1172, A replaced by G.
Protein change: p.Glu391Gly; replaces glutamic acid 391 with glycine.
Molecular consequence: missense variant. On other transcripts: non-coding transcript variant (1).
Genome position (GRCh38, 1-based): chr6:52,469,367, A>G. VCF-style: chr6-52469367-A-G. GRCh37 (hg19) VCF-style: chr6-52334165-A-G.
Other names: p.E391G:GAA>GGA; c.1115A>G, p.Glu372Gly (NM_001172420.2); short protein forms E391G, E372G.
Identifiers: ClinVar variation 205406 (VCV000205406.2), dbSNP rs796052417, ClinGen allele CA314446.